The following is an entry in ClinVar:

ClinVar aggregate classification (germline): Uncertain significance (1 of 4 stars; one submission).

gnomAD v4.1: 1 of 1,614,090 alleles (0.000062%); highest among the groups gnomAD compares: Non-Finnish European, 0.000085%; no homozygotes.

Submission:

Labcorp Genetics (formerly Invitae), Labcorp
Classification: Uncertain significance. Last evaluated: 2021-12-24. Review status: criteria provided, single submitter. Criteria: Invitae Variant Classification Sherloc (09022015). Collection method: clinical testing. Allele origin: germline.
Comment: This sequence change replaces serine, which is neutral and polar, with tryptophan, which is neutral and slightly polar, at codon 74 of the CNGA3 protein (p.Ser74Trp). This variant is not present in population databases (gnomAD no frequency). This variant has not been reported in the literature in individuals affected with CNGA3-related conditions. Advanced modeling of protein sequence and biophysical properties (such as structural, functional, and spatial information, amino acid conservation, physicochemical variation, residue mobility, and thermodynamic stability) performed at Invitae indicates that this missense variant is not expected to disrupt CNGA3 protein function. In summary, the available evidence is currently insufficient to determine the role of this variant in disease. Therefore, it has been classified as a Variant of Uncertain Significance.

NM_001298.3(CNGA3):c.221C>G (p.Ser74Trp)

Gene: CNGA3 (cyclic nucleotide gated channel subunit alpha 3; plus strand). Cytogenetic location: 2q11.2.
Variant type: single nucleotide variant.
Coding change: c.221C>G on transcript NM_001298.3 (MANE Select); coding-DNA position 221, C replaced by G.
Protein change: p.Ser74Trp; replaces serine 74 with tryptophan.
Molecular consequence: missense variant.
Genome position (GRCh38, 1-based): chr2:98,380,180, C>G. VCF-style: chr2-98380180-C-G. GRCh37 (hg19) VCF-style: chr2-98996643-C-G.
Other names: c.221C>G, p.Ser74Trp (NM_001079878.2); short protein forms S74W.
Identifiers: ClinVar variation 2059101 (VCV002059101.4), dbSNP rs566717145, ClinGen allele CA347830903.